The following is an entry in ClinVar:

ClinVar aggregate classification (germline): Uncertain significance (1 of 4 stars; one submission).

Submission:

Dasa
Classification: Uncertain significance. Last evaluated: 2026-08-10. Review status: criteria provided, single submitter. Criteria: DASA Assertion Criteria. Collection method: clinical testing. Allele origin: germline.
Comment: NM_000829.4(GRIA4):c.790T>G (p.Leu264Val) is a missense variant that results in the substitution of leucine with valine. This variant is absent from population databases. The currently available literature and clinical evidence are not sufficient to establish a definitive association between this variant and the reported condition. Therefore, this variant is classified as a variant of uncertain significance.

NM_000829.4(GRIA4):c.790T>G (p.Leu264Val)

Gene: GRIA4 (glutamate ionotropic receptor AMPA type subunit 4; plus strand). Cytogenetic location: 11q22.3.
Variant type: single nucleotide variant.
Coding change: c.790T>G on transcript NM_000829.4 (MANE Select); coding-DNA position 790, T replaced by G.
Protein change: p.Leu264Val; replaces leucine 264 with valine.
Molecular consequence: missense variant. On other transcripts: non-coding transcript variant (1).
Genome position (GRCh38, 1-based): chr11:105,898,332, T>G. VCF-style: chr11-105898332-T-G. GRCh37 (hg19) VCF-style: chr11-105769058-T-G.
Other names: c.790T>G, p.Leu264Val (NM_001077243.3, NM_001440390.1, NM_001440391.1 and 20 more transcripts); short protein forms L264V.
Identifiers: ClinVar variation 5020267 (VCV005020267.1).